The following is an entry in ClinVar:

NM_012144.4(DNAI1):c.45G>T (p.Lys15Asn)

Gene: DNAI1 (dynein axonemal intermediate chain 1; plus strand). Cytogenetic location: 9p13.3.
Variant type: single nucleotide variant.
Coding change: c.45G>T on transcript NM_012144.4 (MANE Select); coding-DNA position 45, G replaced by T.
Protein change: p.Lys15Asn; replaces lysine 15 with asparagine.
Molecular consequence: missense variant.
Genome position (GRCh38, 1-based): chr9:34,459,050, G>T. VCF-style: chr9-34459050-G-T. GRCh37 (hg19) VCF-style: chr9-34459048-G-T.
Other names: c.45G>T (NM_012144.2); c.45G>T, p.Lys15Asn (NM_001281428.2); short protein forms K15N.
Identifiers: ClinVar variation 1979901 (VCV001979901.3), dbSNP rs547949645, ClinGen allele CA5033877.

ClinVar aggregate classification (germline): Uncertain significance. Review status: criteria provided, multiple submitters, no conflicts (2 of 4 stars). 2 submissions from 2 submitters: Uncertain significance (2). Last evaluated 2023-04-11.

Conditions:
Primary ciliary dyskinesia. Also called: Ciliary dyskinesia. Identifiers: Orphanet 244, MedGen C0008780, MONDO:0016575, HP:0012265.

Allele frequency attached by ClinVar (database versions not stated): TOPMed below 0.00001; gnomAD 0.00001; gnomAD exomes 0.00001; ExAC 0.00004; 1000 Genomes Project 30x 0.00016; 1000 Genomes Project 0.00020.
gnomAD v4.1: 15 of 1,614,104 alleles (0.00093%); highest among the groups gnomAD compares: Middle Eastern, 0.033%; no homozygotes.

Submissions (2):

Ambry Genetics
Classification: Uncertain significance for Primary ciliary dyskinesia. Last evaluated: 2023-04-11. Review status: criteria provided, single submitter. Criteria: Ambry Variant Classification Scheme 2023. Collection method: clinical testing. Allele origin: germline.
Comment: The p.K15N variant (also known as c.45G>T), located in coding exon 1 of the DNAI1 gene, results from a G to T substitution at nucleotide position 45. The lysine at codon 15 is replaced by asparagine, an amino acid with similar properties. This amino acid position is conserved. In addition, this alteration is predicted to be tolerated by in silico analysis. Since supporting evidence is limited at this time, the clinical significance of this alteration remains unclear.

Labcorp Genetics (formerly Invitae), Labcorp
Classification: Uncertain significance for Primary ciliary dyskinesia. Last evaluated: 2022-03-19. Review status: criteria provided, single submitter. Criteria: Invitae Variant Classification Sherloc (09022015). Collection method: clinical testing. Allele origin: germline.
Comment: This sequence change replaces lysine, which is basic and polar, with asparagine, which is neutral and polar, at codon 15 of the DNAI1 protein (p.Lys15Asn). This variant is present in population databases (rs547949645, gnomAD 0.006%). This variant has not been reported in the literature in individuals affected with DNAI1-related conditions. Algorithms developed to predict the effect of missense changes on protein structure and function (SIFT, PolyPhen-2, Align-GVGD) all suggest that this variant is likely to be tolerated. In summary, the available evidence is currently insufficient to determine the role of this variant in disease. Therefore, it has been classified as a Variant of Uncertain Significance.